The following is an entry in ClinVar:

ClinVar aggregate classification (germline): Likely benign (1 of 4 stars; one submission).

gnomAD v4.1: 3 of 1,611,716 alleles (0.00019%); highest among the groups gnomAD compares: Non-Finnish European, 0.00017%; no homozygotes.

Submission:

CeGaT Center for Human Genetics Tuebingen
Classification: Likely benign. Last evaluated: 2026-01-01. Review status: criteria provided, single submitter. Criteria: CeGaT Center For Human Genetics Tuebingen Variant Classification Criteria Version 2. Collection method: clinical testing. Allele origin: germline. Affected: yes. Observed: 1 variant allele.
Comment: NACC1: BP4, BP7

NM_052876.4(NACC1):c.780G>A (p.Glu260=)

Gene: NACC1 (nucleus accumbens associated 1; plus strand). Cytogenetic location: 19p13.13.
Variant type: single nucleotide variant.
Coding change: c.780G>A on transcript NM_052876.4 (MANE Select); coding-DNA position 780, G replaced by A.
Protein change: p.Glu260=; no amino-acid change (glutamic acid 260 retained).
Molecular consequence: synonymous variant.
Genome position (GRCh38, 1-based): chr19:13,135,987, G>A. VCF-style: chr19-13135987-G-A. GRCh37 (hg19) VCF-style: chr19-13246801-G-A.
Identifiers: ClinVar variation 4823077 (VCV004823077.4).
Genomic context (GRCh38, chr19:13,135,987, plus strand): 5'-GCAGCCAGCCGGTGGGGTGGCAGCAGCAGGGGGTGTGGTGAGTGGGCCCAGCACGTCGGA[G>A]CGGACCAGCCCAGGCACCTCAAGCGCCTACACCAGCGACAGCCCTGGCTCCTACCACAAT-3'
Protein context (NP_443108.1, residues 250-270): GGVVSGPSTS[Glu260=]RTSPGTSSAY